The following is an entry in ClinVar:

NM_000548.5(TSC2):c.4814A>C (p.Gln1605Pro)

Gene: TSC2 (TSC complex subunit 2; plus strand). Cytogenetic location: 16p13.3.
Variant type: single nucleotide variant.
Coding change: c.4814A>C on transcript NM_000548.5 (MANE Select); coding-DNA position 4814, A replaced by C.
Protein change: p.Gln1605Pro; replaces glutamine 1605 with proline.
Molecular consequence: missense variant.
Genome position (GRCh38, 1-based): chr16:2,086,344, A>C. VCF-style: chr16-2086344-A-C. GRCh37 (hg19) VCF-style: chr16-2136345-A-C.
Other names: c.4613A>C, p.Gln1538Pro (NM_001077183.3); c.4745A>C, p.Gln1582Pro (NM_001114382.3); c.4505A>C, p.Gln1502Pro (NM_001318827.2); c.4469A>C, p.Gln1490Pro (NM_001318829.2); c.4082A>C, p.Gln1361Pro (NM_001318831.2); c.4646A>C, p.Gln1549Pro (NM_001318832.2); c.4616A>C, p.Gln1539Pro (NM_001363528.2); c.4682A>C, p.Gln1561Pro (NM_001370404.1); and 1 more; short protein forms Q1361P, Q1605P, Q1538P, Q1582P, Q1490P, Q1502P, Q1561P, Q1539P.
Identifiers: ClinVar variation 952108 (VCV000952108.11), dbSNP rs1001010265, ClinGen allele CA394308079.

ClinVar aggregate classification (germline): Uncertain significance. Review status: criteria provided, multiple submitters, no conflicts (2 of 4 stars). 2 submissions from 2 submitters: Uncertain significance (2). Last evaluated 2026-07-13.

Conditions:
Hereditary cancer-predisposing syndrome. Also called: Neoplastic Syndromes, Hereditary; Hereditary Cancer Syndrome; Tumor predisposition; Hereditary neoplastic syndrome. Identifiers: Orphanet 140162, MedGen C0027672, MeSH D009386, MONDO:0015356.
Tuberous sclerosis 2 (TSC2). Identifiers: Orphanet 805, MedGen C1860707, MONDO:0013199, OMIM 613254.

Allele frequency attached by ClinVar (database versions not stated): gnomAD exomes below 0.00001.
gnomAD v4.1: 3 of 1,612,896 alleles (0.00019%); highest among the groups gnomAD compares: Non-Finnish European, 0.000085%; no homozygotes.

Submissions (2):

Ambry Genetics
Classification: Uncertain significance for Hereditary cancer-predisposing syndrome. Last evaluated: 2026-07-13. Review status: criteria provided, single submitter. Criteria: Ambry Variant Classification Scheme 2023. Collection method: clinical testing. Allele origin: germline.
Comment: The p.Q1605P variant (also known as c.4814A>C), located in coding exon 36 of the TSC2 gene, results from an A to C substitution at nucleotide position 4814. The glutamine at codon 1605 is replaced by proline, an amino acid with similar properties. This amino acid position is not well conserved in available vertebrate species. In addition, this alteration is predicted to be deleterious by in silico analysis. Based on the available evidence, the clinical significance of this variant remains unclear.

Labcorp Genetics (formerly Invitae), Labcorp
Classification: Uncertain significance for Tuberous sclerosis 2. Last evaluated: 2024-09-18. Review status: criteria provided, single submitter. Criteria: Invitae Variant Classification Sherloc (09022015). Collection method: clinical testing. Allele origin: germline.
Comment: This sequence change replaces glutamine, which is neutral and polar, with proline, which is neutral and non-polar, at codon 1605 of the TSC2 protein (p.Gln1605Pro). This variant is not present in population databases (gnomAD no frequency). This variant has not been reported in the literature in individuals affected with TSC2-related conditions. ClinVar contains an entry for this variant (Variation ID: 952108). Invitae Evidence Modeling of protein sequence and biophysical properties (such as structural, functional, and spatial information, amino acid conservation, physicochemical variation, residue mobility, and thermodynamic stability) indicates that this missense variant is not expected to disrupt TSC2 protein function with a negative predictive value of 95%. In summary, the available evidence is currently insufficient to determine the role of this variant in disease. Therefore, it has been classified as a Variant of Uncertain Significance.